The following is an entry in ClinVar:

ClinVar aggregate classification (germline): Uncertain significance. Review status: criteria provided, multiple submitters, no conflicts (2 of 4 stars). 2 submissions from 2 submitters: Uncertain significance (2). Last evaluated 2025-07-02.

Conditions:
Myasthenic syndrome, congenital, 22 (CMS22). Also called: PREPL DEFICIENCY. Identifiers: MedGen C4479088, MONDO:0044299, OMIM 616224.
Inborn genetic diseases. Identifiers: MedGen C0950123, MeSH D030342.

Allele frequency attached by ClinVar (database versions not stated): ExAC 0.00002; gnomAD exomes 0.00002 and 0.00003.
gnomAD v4.1: 21 of 1,603,322 alleles (0.0013%); highest among the groups gnomAD compares: Middle Eastern, 0.017%; no homozygotes.

Submissions (2):

Ambry Genetics
Classification: Uncertain significance for Inborn genetic diseases. Last evaluated: 2025-07-02. Review status: criteria provided, single submitter. Criteria: Ambry Variant Classification Scheme 2023. Collection method: clinical testing. Allele origin: germline.

Labcorp Genetics (formerly Invitae), Labcorp
Classification: Uncertain significance for Myasthenic syndrome, congenital, 22. Last evaluated: 2022-09-27. Review status: criteria provided, single submitter. Criteria: Invitae Variant Classification Sherloc (09022015). Collection method: clinical testing. Allele origin: germline.
Comment: This sequence change replaces methionine, which is neutral and non-polar, with isoleucine, which is neutral and non-polar, at codon 592 of the PREPL protein (p.Met592Ile). This variant is present in population databases (rs753863367, gnomAD 0.003%). This variant has not been reported in the literature in individuals affected with PREPL-related conditions. ClinVar contains an entry for this variant (Variation ID: 1358341). Algorithms developed to predict the effect of missense changes on protein structure and function are either unavailable or do not agree on the potential impact of this missense change (SIFT: "Tolerated"; PolyPhen-2: "Probably Damaging"; Align-GVGD: "Class C0"). In summary, the available evidence is currently insufficient to determine the role of this variant in disease. Therefore, it has been classified as a Variant of Uncertain Significance.

NM_001171613.2(PREPL):c.1509G>A (p.Met503Ile)

Gene: PREPL (prolyl endopeptidase like; minus strand). Cytogenetic location: 2p21.
Variant type: single nucleotide variant.
Coding change: c.1509G>A on transcript NM_001171613.2 (MANE Select); coding-DNA position 1509, G replaced by A.
Protein change: p.Met503Ile; replaces methionine 503 with isoleucine.
Molecular consequence: missense variant.
Genome position (GRCh38, 1-based): chr2:44,323,382, C>T on the plus strand (G>A on the coding strand, the complement: PREPL is on the minus strand). VCF-style: chr2-44323382-C-T. GRCh37 (hg19) VCF-style: chr2-44550521-C-T.
Other names: c.1590G>A, p.Met530Ile (NM_001042385.2); c.1578G>A, p.Met526Ile (NM_001042386.2); c.1776G>A, p.Met592Ile (NM_001171603.1, NM_001171606.2, NM_001374275.1 and 2 more transcripts); c.1509G>A, p.Met503Ile (NM_001171617.1, NM_001374277.1); short protein forms M503I, M526I, M530I, M592I.
Identifiers: ClinVar variation 1358341 (VCV001358341.4), dbSNP rs753863367, ClinGen allele CA1641064.